The following is an entry in ClinVar:

ClinVar aggregate classification (germline): Uncertain significance. Review status: criteria provided, multiple submitters, no conflicts (2 of 4 stars). 2 submissions from 2 submitters: Uncertain significance (2). Last evaluated 2025-07-30.

Conditions:
Inborn genetic diseases. Identifiers: MedGen C0950123, MeSH D030342.
Holoprosencephaly 3 (HPE3). Identifiers: Orphanet 2162, MedGen C1840529, MONDO:0007733, OMIM 142945.

Allele frequency attached by ClinVar (database versions not stated): gnomAD exomes below 0.00001; ExAC 0.00001; TOPMed 0.00003; gnomAD 0.00004.
gnomAD v4.1: 13 of 1,614,020 alleles (0.00081%); highest among the groups gnomAD compares: African/African-American, 0.0093%; no homozygotes.

Submissions (2):

Labcorp Genetics (formerly Invitae), Labcorp
Classification: Uncertain significance for Holoprosencephaly 3. Last evaluated: 2025-07-30. Review status: criteria provided, single submitter. Criteria: Invitae Variant Classification Sherloc (09022015). Collection method: clinical testing. Allele origin: germline.
Comment: This sequence change replaces asparagine, which is neutral and polar, with serine, which is neutral and polar, at codon 79 of the SHH protein (p.Asn79Ser). This variant is present in population databases (rs754993269, gnomAD 0.0009%). This variant has not been reported in the literature in individuals affected with SHH-related conditions. ClinVar contains an entry for this variant (Variation ID: 1479674). Invitae Evidence Modeling of protein sequence and biophysical properties (such as structural, functional, and spatial information, amino acid conservation, physicochemical variation, residue mobility, and thermodynamic stability) indicates that this missense variant is expected to disrupt SHH protein function with a positive predictive value of 80%. In summary, the available evidence is currently insufficient to determine the role of this variant in disease. Therefore, it has been classified as a Variant of Uncertain Significance.

Ambry Genetics
Classification: Uncertain significance for Inborn genetic diseases. Last evaluated: 2021-05-04. Review status: criteria provided, single submitter. Criteria: Ambry Variant Classification Scheme 2023. Collection method: clinical testing. Allele origin: germline.

NM_000193.4(SHH):c.236A>G (p.Asn79Ser)

Gene: SHH (sonic hedgehog signaling molecule; minus strand). Cytogenetic location: 7q36.3.
Variant type: single nucleotide variant.
Coding change: c.236A>G on transcript NM_000193.4 (MANE Select); coding-DNA position 236, A replaced by G.
Protein change: p.Asn79Ser; replaces asparagine 79 with serine.
Molecular consequence: missense variant.
Genome position (GRCh38, 1-based): chr7:155,811,887, T>C on the plus strand (A>G on the coding strand, the complement: SHH is on the minus strand). VCF-style: chr7-155811887-T-C. GRCh37 (hg19) VCF-style: chr7-155604581-T-C.
Other names: c.236A>G (NM_000193.2); short protein forms N79S.
Identifiers: ClinVar variation 1479674 (VCV001479674.9), dbSNP rs754993269, ClinGen allele CA4587078.